The following is an entry in ClinVar:

NM_052867.4(NALCN):c.4640G>C (p.Ser1547Thr)

Gene: NALCN (sodium leak channel, non-selective; minus strand). Cytogenetic location: 13q32.3.
Variant type: single nucleotide variant.
Coding change: c.4640G>C on transcript NM_052867.4 (MANE Select); coding-DNA position 4640, G replaced by C.
Protein change: p.Ser1547Thr; replaces serine 1547 with threonine.
Molecular consequence: missense variant.
Genome position (GRCh38, 1-based): chr13:101,062,083, C>G on the plus strand (G>C on the coding strand, the complement: NALCN is on the minus strand). VCF-style: chr13-101062083-C-G. GRCh37 (hg19) VCF-style: chr13-101714435-C-G.
Other names: c.4727G>C, p.Ser1576Thr (NM_001350748.2); c.4640G>C, p.Ser1547Thr (NM_001350749.2); c.4553G>C, p.Ser1518Thr (NM_001350750.2, NM_001350751.2); short protein forms S1518T, S1547T, S1576T.
Identifiers: ClinVar variation 3653299 (VCV003653299.2).

ClinVar aggregate classification (germline): Uncertain significance (1 of 4 stars; one submission).

Submission:

Labcorp Genetics (formerly Invitae), Labcorp
Classification: Uncertain significance. Last evaluated: 2024-05-14. Review status: criteria provided, single submitter. Criteria: Invitae Variant Classification Sherloc (09022015). Collection method: clinical testing. Allele origin: germline.
Comment: This sequence change replaces serine, which is neutral and polar, with threonine, which is neutral and polar, at codon 1547 of the NALCN protein (p.Ser1547Thr). This variant is not present in population databases (gnomAD no frequency). This variant has not been reported in the literature in individuals affected with NALCN-related conditions. Advanced modeling of protein sequence and biophysical properties (such as structural, functional, and spatial information, amino acid conservation, physicochemical variation, residue mobility, and thermodynamic stability) performed at Invitae indicates that this missense variant is not expected to disrupt NALCN protein function with a negative predictive value of 80%. In summary, the available evidence is currently insufficient to determine the role of this variant in disease. Therefore, it has been classified as a Variant of Uncertain Significance.